The following is an entry in ClinVar:

ClinVar aggregate classification (germline): Uncertain significance (1 of 4 stars; one submission).

Conditions:
Spastic paraplegia. Identifiers: MedGen C0037772, HP:0001258.

Allele frequency attached by ClinVar (database versions not stated): gnomAD exomes below 0.00001.

Submission:

Labcorp Genetics (formerly Invitae), Labcorp
Classification: Uncertain significance for Spastic paraplegia. Last evaluated: 2022-09-19. Review status: criteria provided, single submitter. Criteria: Invitae Variant Classification Sherloc (09022015). Collection method: clinical testing. Allele origin: germline.
Comment: This variant has not been reported in the literature in individuals affected with GJC2-related conditions. This variant is not present in population databases (gnomAD no frequency). This sequence change replaces serine, which is neutral and polar, with asparagine, which is neutral and polar, at codon 430 of the GJC2 protein (p.Ser430Asn). In summary, the available evidence is currently insufficient to determine the role of this variant in disease. Therefore, it has been classified as a Variant of Uncertain Significance. Advanced modeling of protein sequence and biophysical properties (such as structural, functional, and spatial information, amino acid conservation, physicochemical variation, residue mobility, and thermodynamic stability) has been performed at Invitae for this missense variant, however the output from this modeling did not meet the statistical confidence thresholds required to predict the impact of this variant on GJC2 protein function.

NM_020435.4(GJC2):c.1289G>A (p.Ser430Asn)

Gene: GJC2 (gap junction protein gamma 2; plus strand). Cytogenetic location: 1q42.13.
Variant type: single nucleotide variant.
Coding change: c.1289G>A on transcript NM_020435.4 (MANE Select); coding-DNA position 1289, G replaced by A.
Protein change: p.Ser430Asn; replaces serine 430 with asparagine.
Molecular consequence: missense variant.
Genome position (GRCh38, 1-based): chr1:228,159,047, G>A. VCF-style: chr1-228159047-G-A. GRCh37 (hg19) VCF-style: chr1-228346748-G-A.
Other names: short protein forms S430N.
Identifiers: ClinVar variation 2100098 (VCV002100098.4), dbSNP rs2527878907, ClinGen allele CA345101021.
Genomic context (GRCh38, chr1:228,159,047, plus strand): 5'-GCACCCACGAGCGGCCAGGAGCCAAGCCCAGGGCTGGCTCCGAGAAGGGCAGTGCCAGCA[G>A]CAGGGACGGGAAGACCACCGTGTGGATCTGAGGGCGCTGGCTTGCGAGCTGGGCCAGGGA-3'
Protein context (NP_065168.2, residues 420-439): RAGSEKGSAS[Ser430Asn]RDGKTTVWI